The following is an entry in ClinVar:

ClinVar aggregate classification (germline): Uncertain significance (1 of 4 stars; one submission).

Submission:

Labcorp Genetics (formerly Invitae), Labcorp
Classification: Uncertain significance. Last evaluated: 2022-02-08. Review status: criteria provided, single submitter. Criteria: Invitae Variant Classification Sherloc (09022015). Collection method: clinical testing. Allele origin: germline.
Comment: In summary, the available evidence is currently insufficient to determine the role of this variant in disease. Therefore, it has been classified as a Variant of Uncertain Significance. This variant has not been reported in the literature in individuals affected with ANGPT1-related conditions. This variant is not present in population databases (gnomAD no frequency). This sequence change creates a premature translational stop signal (p.Ile327Thrfs*3) in the ANGPT1 gene. It is expected to result in an absent or disrupted protein product. However, the current clinical and genetic evidence is not sufficient to establish whether loss-of-function variants in ANGPT1 cause disease.

NM_001146.5(ANGPT1):c.980_984del (p.Ile327fs)

Gene: ANGPT1 (angiopoietin 1; minus strand). Cytogenetic location: 8q23.1.
Variant type: Deletion.
Coding change: c.980_984del on transcript NM_001146.5 (MANE Select); coding-DNA positions 980 to 984, 5 bases deleted (TACAA; older notation c.980_984delTACAA).
Protein change: p.Ile327fs; shifts the reading frame from isoleucine 327.
Molecular consequence: frameshift variant.
Genome position (GRCh38, 1-based): chr8:107,293,990-107,293,994, TTGTA deleted on the plus strand (TACAA on the coding strand, the reverse complement: ANGPT1 is on the minus strand); deleting any 5 consecutive bases within chr8:107,293,990-107,293,996 gives the same sequence; the c. name uses the placement nearest the transcript's 3' end. VCF-style (leftmost placement, unchanged base first): chr8-107293989-GTTGTA-G. GRCh37 (hg19) VCF-style: chr8-108306217-GTTGTA-G.
Other names: c.977_981del, p.Ile326fs (NM_001199859.3); c.380_384del, p.Ile127fs (NM_001314051.2); short protein forms I327fs, I326fs, I127fs.
Identifiers: ClinVar variation 1471723 (VCV001471723.6), dbSNP rs2130180625, ClinGen allele CA2573142777.
Genomic context (GRCh38, chr8:107,293,989, plus strand): 5'-ATCTTACCATTTTATATTCCTTCCAGCCTCTTTGGAAATCTAGACTTCCATCTTCACGAT[GTTGTA>G]TTACAGTCCAACCTCCCCCATTGACATCCATATTGCAAAACACCTGACAAATGGAAAACA-3'